The following is an entry in ClinVar:

ClinVar aggregate classification (germline): Uncertain significance (1 of 4 stars; one submission).

Allele frequency attached by ClinVar (database versions not stated): TOPMed 0.00013; gnomAD 0.00014; ESP Exome Variant Server 0.00015; ExAC 0.00023; 1000 Genomes Project 30x 0.00047; 1000 Genomes Project 0.00060.
gnomAD v4.1: 168 of 1,612,942 alleles (0.01%); highest among the groups gnomAD compares: Admixed American, 0.04%; 1 homozygote.

Submission:

Labcorp Genetics (formerly Invitae), Labcorp
Classification: Uncertain significance. Last evaluated: 2023-06-16. Review status: criteria provided, single submitter. Criteria: Invitae Variant Classification Sherloc (09022015). Collection method: clinical testing. Allele origin: germline.
Comment: This sequence change replaces threonine, which is neutral and polar, with methionine, which is neutral and non-polar, at codon 1753 of the LAMA5 protein (p.Thr1753Met). In summary, the available evidence is currently insufficient to determine the role of this variant in disease. Therefore, it has been classified as a Variant of Uncertain Significance. Algorithms developed to predict the effect of missense changes on protein structure and function output the following: SIFT: "Not Available"; PolyPhen-2: "Possibly Damaging"; Align-GVGD: "Not Available". The methionine amino acid residue is found in multiple mammalian species, which suggests that this missense change does not adversely affect protein function. ClinVar contains an entry for this variant (Variation ID: 2051322). This variant has not been reported in the literature in individuals affected with LAMA5-related conditions. This variant is present in population databases (rs140696503, gnomAD 0.05%), including at least one homozygous and/or hemizygous individual.

NM_005560.6(LAMA5):c.5258C>T (p.Thr1753Met)

Gene: LAMA5 (laminin subunit alpha 5; minus strand). Cytogenetic location: 20q13.33.
Variant type: single nucleotide variant.
Coding change: c.5258C>T on transcript NM_005560.6 (MANE Select); coding-DNA position 5258, C replaced by T.
Protein change: p.Thr1753Met; replaces threonine 1753 with methionine.
Molecular consequence: missense variant.
Genome position (GRCh38, 1-based): chr20:62,326,717, G>A on the plus strand (C>T on the coding strand, the complement: LAMA5 is on the minus strand). VCF-style: chr20-62326717-G-A. GRCh37 (hg19) VCF-style: chr20-60901773-G-A.
Other names: short protein forms T1753M.
Identifiers: ClinVar variation 2051322 (VCV002051322.2), dbSNP rs140696503, ClinGen allele CA9942263.